The following is an entry in ClinVar:

ClinVar aggregate classification (germline): Uncertain significance (1 of 4 stars; one submission).

Conditions:
Kleefstra syndrome 1 (KLEFS1). Identifiers: Orphanet 261494, MedGen C0795833, MONDO:0027407, OMIM 610253.

Submission:

Labcorp Genetics (formerly Invitae), Labcorp
Classification: Uncertain significance for Kleefstra syndrome 1. Last evaluated: 2022-11-08. Review status: criteria provided, single submitter. Criteria: Invitae Variant Classification Sherloc (09022015). Collection method: clinical testing. Allele origin: germline.
Comment: In summary, the available evidence is currently insufficient to determine the role of this variant in disease. Therefore, it has been classified as a Variant of Uncertain Significance. Algorithms developed to predict the effect of missense changes on protein structure and function (SIFT, PolyPhen-2, Align-GVGD) all suggest that this variant is likely to be tolerated. This variant has not been reported in the literature in individuals affected with EHMT1-related conditions. This variant is not present in population databases (gnomAD no frequency). This sequence change replaces leucine, which is neutral and non-polar, with methionine, which is neutral and non-polar, at codon 685 of the EHMT1 protein (p.Leu685Met).

NM_024757.5(EHMT1):c.2053C>A (p.Leu685Met)

Gene: EHMT1 (euchromatic histone lysine methyltransferase 1; plus strand). Cytogenetic location: 9q34.3.
Variant type: single nucleotide variant.
Coding change: c.2053C>A on transcript NM_024757.5 (MANE Select); coding-DNA position 2053, C replaced by A.
Protein change: p.Leu685Met; replaces leucine 685 with methionine.
Molecular consequence: missense variant.
Genome position (GRCh38, 1-based): chr9:137,777,916, C>A. VCF-style: chr9-137777916-C-A. GRCh37 (hg19) VCF-style: chr9-140672368-C-A.
Other names: c.2053C>A, p.Leu685Met (NM_001145527.2); c.1960C>A, p.Leu654Met (NM_001354259.2); c.2032C>A, p.Leu678Met (NM_001354263.2); short protein forms L654M, L678M, L685M.
Identifiers: ClinVar variation 2812821 (VCV002812821.3), dbSNP rs2542393074, ClinGen allele CA375778318.
Genomic context (GRCh38, chr9:137,777,916, plus strand): 5'-CCTTTCCCCGATTTCCTCCCCTGAAGTGCTGCCGGGCCACCACTCTCGGAGGACGACAAG[C>A]TGCAGGGTGCAGCCTCCCACGTGCCCGAGGGCTTTGATCCAACGGGACCTGCTGGGCTTG-3'
Protein context (NP_079033.4, residues 675-695): AGPPLSEDDK[Leu685Met]QGAASHVPEG